The following is an entry in ClinVar:

NM_000329.3(RPE65):c.389delinsTAATAAAGTTGGTCT (p.Asp130fs)

Gene: RPE65 (retinoid isomerohydrolase RPE65; minus strand). Cytogenetic location: 1p31.3.
Variant type: Indel.
Coding change: c.389delinsTAATAAAGTTGGTCT on transcript NM_000329.3 (MANE Select); coding-DNA position 389, A replaced by TAATAAAGTTGGTCT.
Protein change: p.Asp130fs; shifts the reading frame from aspartic acid 130.
Molecular consequence: frameshift variant.
Genome position (GRCh38, 1-based): chr1:68,444,637, T replaced by AGACCAACTTTATTA on the plus strand (A replaced by TAATAAAGTTGGTCT on the coding strand, the reverse complement: RPE65 is on the minus strand). VCF-style: chr1-68444637-T-AGACCAACTTTATTA. GRCh37 (hg19) VCF-style: chr1-68910320-T-AGACCAACTTTATTA.
Other names: c.281delinsTAATAAAGTTGGTCT, p.Asp94fs (NM_001406853.1); c.113delinsTAATAAAGTTGGTCT, p.Asp38fs (NM_001406856.1, NM_001406857.1); c.389delinsTAATAAAGTTGGTCT, p.Asp130fs (NM_001406859.1, NM_001406860.1); short protein forms D130fs, D38fs, D94fs.
Identifiers: ClinVar variation 5011216 (VCV005011216.1).
Genomic context (GRCh38, chr1:68,444,637, plus strand): 5'-TTGGTCTCTGTGCAAGCGTAGTAATCTTCCCCCACTGGGTAGACATTAACAAGGGCATTG[T>AGACCAACTTTATTA]CAGTAACCTCTACTCCTCGAAAGTAAGAAAAAAACCTGTAGAAACAAATGAATTTTTCAG-3'

ClinVar aggregate classification (germline): Pathogenic (1 of 4 stars; one submission).

Conditions:
RPE65-related recessive retinopathy. Also called: Recessive RPE65 retinopathy. Identifiers: MedGen CN305526, MONDO:0100368.

Submission:

Myriad Genetics, Inc.
Classification: Pathogenic for RPE65-related recessive retinopathy. Last evaluated: 2024-05-14. Review status: criteria provided, single submitter. Criteria: Myriad Autosomal Dominant, Autosomal Recessive and X-Linked Classification Criteria (2023). Collection method: clinical testing. Allele origin: unknown.
Comment: NM_000329.2(RPE65):c.389del1ins15(D130Vfs*83) is expected to be pathogenic in the context of inherited retinal dystrophy, RPE65-related. This variant is predicted to lead to an abnormal or absent protein product due to the creation of a premature termination codon in RPE65, a gene where loss-of-function variants are known to be pathogenic. Please note: this variant was assessed in the context of healthy population screening.